The following is an entry in ClinVar:

NM_001142800.2(EYS):c.3688T>A (p.Cys1230Ser)

Gene: EYS (eyes shut homolog; minus strand). Cytogenetic location: 6q12.
Variant type: single nucleotide variant.
Coding change: c.3688T>A on transcript NM_001142800.2 (MANE Select); coding-DNA position 3688, T replaced by A.
Protein change: p.Cys1230Ser; replaces cysteine 1230 with serine.
Molecular consequence: missense variant.
Genome position (GRCh38, 1-based): chr6:64,593,306, A>T on the plus strand (T>A on the coding strand, the complement: EYS is on the minus strand). VCF-style: chr6-64593306-A-T. GRCh37 (hg19) VCF-style: chr6-65303199-A-T.
Other names: c.3688T>A, p.Cys1230Ser (NM_001292009.2); short protein forms C1230S.
Identifiers: ClinVar variation 950928 (VCV000950928.8), dbSNP rs1258171232, ClinGen allele CA364784944.

ClinVar aggregate classification (germline): Uncertain significance. Review status: criteria provided, multiple submitters, no conflicts (2 of 4 stars). 3 submissions from 3 submitters: Uncertain significance (2). 1 of the submissions does not count toward it. Last evaluated 2025-01-16.

Conditions:
Inborn genetic diseases. Identifiers: MedGen C0950123, MeSH D030342.
Retinitis pigmentosa 25 (RP25). Identifiers: Orphanet 791, MedGen C1864446, MONDO:0011272, OMIM 602772.

Allele frequency attached by ClinVar (database versions not stated): gnomAD exomes 0.00001; TOPMed 0.00001.
gnomAD v4.1: 19 of 1,545,966 alleles (0.0012%); highest among the groups gnomAD compares: Non-Finnish European, 0.0016%; no homozygotes.

Submissions (3):

Ambry Genetics
Classification: Uncertain significance for Inborn genetic diseases. Last evaluated: 2025-01-16. Review status: criteria provided, single submitter. Criteria: Ambry Variant Classification Scheme 2023. Collection method: clinical testing. Allele origin: germline.

Labcorp Genetics (formerly Invitae), Labcorp
Classification: Uncertain significance. Last evaluated: 2022-03-19. Review status: criteria provided, single submitter. Criteria: Invitae Variant Classification Sherloc (09022015). Collection method: clinical testing. Allele origin: germline.
Comment: This sequence change replaces cysteine, which is neutral and slightly polar, with serine, which is neutral and polar, at codon 1230 of the EYS protein (p.Cys1230Ser). This variant is not present in population databases (gnomAD no frequency). This variant has not been reported in the literature in individuals affected with EYS-related conditions. ClinVar contains an entry for this variant (Variation ID: 950928). Algorithms developed to predict the effect of missense changes on protein structure and function (SIFT, PolyPhen-2, Align-GVGD) all suggest that this variant is likely to be tolerated. In summary, the available evidence is currently insufficient to determine the role of this variant in disease. Therefore, it has been classified as a Variant of Uncertain Significance.

Natera, Inc.
Classification: Uncertain significance for Retinitis pigmentosa type 25. Last evaluated: 2020-09-01. Review status: no assertion criteria provided. Collection method: clinical testing. Allele origin: germline. Not counted in ClinVar's aggregate classification.